The following is an entry in ClinVar:

NM_002887.4(RARS1):c.1013A>G (p.Tyr338Cys)

Gene: RARS1 (arginyl-tRNA synthetase 1; plus strand). Cytogenetic location: 5q34.
Variant type: single nucleotide variant.
Coding change: c.1013A>G on transcript NM_002887.4 (MANE Select); coding-DNA position 1013, A replaced by G.
Protein change: p.Tyr338Cys; replaces tyrosine 338 with cysteine.
Molecular consequence: missense variant.
Genome position (GRCh38, 1-based): chr5:168,502,061, A>G. VCF-style: chr5-168502061-A-G. GRCh37 (hg19) VCF-style: chr5-167929066-A-G.
Other names: c.1013A>G (NM_002887.3); short protein forms Y338C.
Identifiers: ClinVar variation 1899941 (VCV001899941.5), dbSNP rs891846526, ClinGen allele CA131940238.

ClinVar aggregate classification (germline): Uncertain significance. Review status: criteria provided, multiple submitters, no conflicts (2 of 4 stars). 2 submissions from 2 submitters: Uncertain significance (2). Last evaluated 2026-02-09.

Allele frequency attached by ClinVar (database versions not stated): gnomAD exomes 0.00001; gnomAD 0.00001.
gnomAD v4.1: 11 of 1,605,436 alleles (0.00069%); highest among the groups gnomAD compares: Admixed American, 0.0034%; no homozygotes.

Submissions (2):

GeneDx
Classification: Uncertain significance. Last evaluated: 2026-02-09. Review status: criteria provided, single submitter. Criteria: GeneDx Variant Classification Process June 2021. Collection method: clinical testing. Allele origin: germline.
Comment: Not observed at significant frequency in large population cohorts (gnomAD); In silico analysis supports that this missense variant has a deleterious effect on protein structure/function; Has not been previously published as pathogenic or benign to our knowledge

Labcorp Genetics (formerly Invitae), Labcorp
Classification: Uncertain significance. Last evaluated: 2022-03-28. Review status: criteria provided, single submitter. Criteria: Invitae Variant Classification Sherloc (09022015). Collection method: clinical testing. Allele origin: germline.
Comment: This variant is present in population databases (no rsID available, gnomAD 0.004%). This sequence change replaces tyrosine, which is neutral and polar, with cysteine, which is neutral and slightly polar, at codon 338 of the RARS protein (p.Tyr338Cys). This variant has not been reported in the literature in individuals affected with RARS-related conditions. In summary, the available evidence is currently insufficient to determine the role of this variant in disease. Therefore, it has been classified as a Variant of Uncertain Significance. Algorithms developed to predict the effect of missense changes on protein structure and function are either unavailable or do not agree on the potential impact of this missense change (SIFT: "Deleterious"; PolyPhen-2: "Probably Damaging"; Align-GVGD: "Class C15").